The following is an entry in ClinVar:

ClinVar aggregate classification (germline): Uncertain significance (1 of 4 stars; one submission).

Allele frequency attached by ClinVar (database versions not stated): gnomAD 0.00001; TOPMed 0.00001.
gnomAD v4.1: 17 of 1,613,942 alleles (0.0011%); highest among the groups gnomAD compares: Non-Finnish European, 0.0011%; no homozygotes.

Submission:

Labcorp Genetics (formerly Invitae), Labcorp
Classification: Uncertain significance. Last evaluated: 2024-02-05. Review status: criteria provided, single submitter. Criteria: Invitae Variant Classification Sherloc (09022015). Collection method: clinical testing. Allele origin: germline.
Comment: This sequence change replaces alanine, which is neutral and non-polar, with threonine, which is neutral and polar, at codon 110 of the COL18A1 protein (p.Ala110Thr). This variant is present in population databases (rs771685609, gnomAD 0.003%). This variant has not been reported in the literature in individuals affected with COL18A1-related conditions. ClinVar contains an entry for this variant (Variation ID: 1491087). Experimental studies and prediction algorithms are not available or were not evaluated, and the functional significance of this variant is currently unknown. In summary, the available evidence is currently insufficient to determine the role of this variant in disease. Therefore, it has been classified as a Variant of Uncertain Significance.

NM_001379500.1(COL18A1):c.328G>A (p.Ala110Thr)

Gene: COL18A1 (collagen type XVIII alpha 1 chain; plus strand). Cytogenetic location: 21q22.3.
Variant type: single nucleotide variant.
Coding change: c.328G>A on transcript NM_001379500.1 (MANE Select); coding-DNA position 328, G replaced by A.
Protein change: p.Ala110Thr; replaces alanine 110 with threonine.
Molecular consequence: missense variant.
Genome position (GRCh38, 1-based): chr21:45,468,463, G>A. VCF-style: chr21-45468463-G-A. GRCh37 (hg19) VCF-style: chr21-46888377-G-A.
Other names: c.868G>A, p.Ala290Thr (NM_030582.4); c.1573G>A, p.Ala525Thr (NM_130444.3); short protein forms A290T, A110T, A525T.
Identifiers: ClinVar variation 1491087 (VCV001491087.5), dbSNP rs771685609, ClinGen allele CA10065721.